The following is an entry in ClinVar:

ClinVar aggregate classification (germline): Likely pathogenic (1 of 4 stars; one submission).

Conditions:
Immunodeficiency, common variable, 12 (CVID12). Also called: IMMUNODEFICIENCY, COMMON VARIABLE, 12, WITH AUTOIMMUNITY; NFKB1 DEFICIENCY. Identifiers: Orphanet 1572, Orphanet 696874, MedGen C4225277, MONDO:0014697, OMIM 616576.

Submission:

Institute of Human Genetics, University of Leipzig Medical Center
Classification: Likely pathogenic for Immunodeficiency, common variable, 12. Last evaluated: 2022-07-18. Review status: criteria provided, single submitter. Criteria: ACMG Guidelines, 2015. Collection method: clinical testing. Allele origin: unknown. Affected: yes.
Comment: Criteria applied: PVS1, PM2_SUP

NM_003998.4:c.(927+1_928-1)_(1066+1_1067-1)del

Gene: NFKB1 (nuclear factor kappa B subunit 1; plus strand).
Variant type: Deletion.
Other names: c.(927+1_928-1)_(1066+1_1067-1)del (NM_003998.4).
Identifiers: ClinVar variation 1697314 (VCV001697314.1).